The following is an entry in ClinVar:

ClinVar aggregate classification (germline): Conflicting classifications of pathogenicity. Review status: criteria provided, conflicting classifications (1 of 4 stars). 3 submissions from 3 submitters: Uncertain significance (2); Likely benign (1). Last evaluated 2026-06-04.

Conditions:
SNRNP200-related disorder. Also called: SNRNP200-related condition.

Allele frequency attached by ClinVar (database versions not stated): TOPMed 0.00001; ExAC 0.00003.
gnomAD v4.1: 26 of 1,614,104 alleles (0.0016%); highest among the groups gnomAD compares: East Asian, 0.018%; no homozygotes.

Submissions (3):

PreventionGenetics, part of Exact Sciences
Classification: Uncertain significance for SNRNP200-related condition. Last evaluated: 2026-06-04. Review status: criteria provided, single submitter. Criteria: ACMG Guidelines, 2015. Collection method: clinical testing. Allele origin: germline.
Comment: The SNRNP200 c.5234T>C variant is predicted to result in the amino acid substitution p.Ile1745Thr. To our knowledge, this variant has not been reported in the literature. This variant is reported in 0.038% of alleles in individuals of East Asian descent in gnomAD. At this time, the clinical significance of this variant is uncertain due to the absence of conclusive functional and genetic evidence.

CeGaT Center for Human Genetics Tuebingen
Classification: Uncertain significance. Last evaluated: 2025-02-01. Review status: criteria provided, single submitter. Criteria: CeGaT Center For Human Genetics Tuebingen Variant Classification Criteria Version 2. Collection method: clinical testing. Allele origin: germline. Affected: yes. Observed: 1 variant allele.
Comment: SNRNP200: PM2:Supporting

Labcorp Genetics (formerly Invitae), Labcorp
Classification: Likely benign. Last evaluated: 2024-08-17. Review status: criteria provided, single submitter. Criteria: Invitae Variant Classification Sherloc (09022015). Collection method: clinical testing. Allele origin: germline.

NM_014014.5(SNRNP200):c.5234T>C (p.Ile1745Thr)

Genes: SNRNP200 (small nuclear ribonucleoprotein U5 subunit 200; minus strand), LOC126806272 (BRD4-independent group 4 enhancer GRCh37_chr2:96944520-96945719; plus strand). Cytogenetic location: 2q11.2.
Variant type: single nucleotide variant.
Coding change: c.5234T>C on transcript NM_014014.5 (MANE Select); coding-DNA position 5234, T replaced by C.
Protein change: p.Ile1745Thr; replaces isoleucine 1745 with threonine.
Molecular consequence: missense variant.
Genome position (GRCh38, 1-based): chr2:96,278,898, A>G on the plus strand (T>C on the coding strand, the complement: SNRNP200 is on the minus strand). VCF-style: chr2-96278898-A-G. GRCh37 (hg19) VCF-style: chr2-96944636-A-G.
Other names: c.5234T>C (NM_014014.4); short protein forms I1745T.
Identifiers: ClinVar variation 2084436 (VCV002084436.18), dbSNP rs777813072, ClinGen allele CA1778011.
Genomic context (GRCh38, chr2:96,278,898, plus strand): 5'-GTCATGCGGCGGTACAGAAAGGTCCAGGTGAGGTAGTCCACAGCATCCTGCTTGTTCTCA[A>G]TGGTCTTGGTGACGATCTCAGCATTGAAGTGGTCATGCATACAGTGGTCCAGGTGAGATT-3'
Protein context (NP_054733.2, residues 1735-1755): HFNAEIVTKT[Ile1745Thr]ENKQDAVDYL